The following is an entry in ClinVar:

NM_005027.4(PIK3R2):c.627G>A (p.Leu209=)

Genes: PIK3R2 (phosphoinositide-3-kinase regulatory subunit 2; plus strand), LOC130063979 (ATAC-STARR-seq lymphoblastoid silent region 10375; plus strand). Cytogenetic location: 19p13.11.
Variant type: single nucleotide variant.
Coding change: c.627G>A on transcript NM_005027.4 (MANE Select); coding-DNA position 627, G replaced by A.
Protein change: p.Leu209=; no amino-acid change (leucine 209 retained).
Molecular consequence: synonymous variant. On other transcripts: non-coding transcript variant (1).
Genome position (GRCh38, 1-based): chr19:18,161,307, G>A. VCF-style: chr19-18161307-G-A. GRCh37 (hg19) VCF-style: chr19-18272117-G-A.
Identifiers: ClinVar variation 1707257 (VCV001707257.3), dbSNP rs1184576899, ClinGen allele CA506108584.

ClinVar aggregate classification (germline): Likely benign. Review status: criteria provided, multiple submitters, no conflicts (2 of 4 stars). 2 submissions from 2 submitters: Likely benign (2). Last evaluated 2025-06-23.

Conditions:
Megalencephaly-polymicrogyria-postaxial polydactyly-hydrocephalus syndrome. Also called: MPPH Syndrome; MEG-PMG-MEGACC SYNDROME. Identifiers: Orphanet 83473, MedGen C1863924, MONDO:0019375.

Allele frequency attached by ClinVar (database versions not stated): gnomAD exomes below 0.00001; gnomAD 0.00001; TOPMed 0.00001.
gnomAD v4.1: 6 of 1,359,898 alleles (0.00044%); highest among the groups gnomAD compares: Non-Finnish European, 0.00047%; no homozygotes.

Submissions (2):

Labcorp Genetics (formerly Invitae), Labcorp
Classification: Likely benign for Megalencephaly-polymicrogyria-postaxial polydactyly-hydrocephalus syndrome. Last evaluated: 2025-06-23. Review status: criteria provided, single submitter. Criteria: Invitae Variant Classification Sherloc (09022015). Collection method: clinical testing. Allele origin: germline.

GeneDx
Classification: Likely benign. Last evaluated: 2019-07-09. Review status: criteria provided, single submitter. Criteria: GeneDx Variant Classification Process June 2021. Collection method: clinical testing. Allele origin: germline. Affected: yes.
Comment: See Variant Classification Assertion Criteria.